The following is an entry in ClinVar:

ClinVar aggregate classification (germline): Uncertain significance. Review status: criteria provided, multiple submitters, no conflicts (2 of 4 stars). 3 submissions from 3 submitters: Uncertain significance (2). 1 of the submissions does not count toward it. Last evaluated 2022-04-01.

Conditions:
Hermansky-Pudlak syndrome 6 (HPS6). Identifiers: Orphanet 231512, Orphanet 79430, MedGen C3888007, MONDO:0013558, OMIM 614075.

Allele frequency attached by ClinVar (database versions not stated): gnomAD 0.00002 and 0.00003; TOPMed 0.00002.

Submissions (3):

Fulgent Genetics
Classification: Uncertain significance for Hermansky-Pudlak syndrome 6. Last evaluated: 2022-04-01. Review status: criteria provided, single submitter. Criteria: ACMG Guidelines, 2015. Collection method: clinical testing. Allele origin: unknown.

Labcorp Genetics (formerly Invitae), Labcorp
Classification: Uncertain significance. Last evaluated: 2022-03-27. Review status: criteria provided, single submitter. Criteria: Invitae Variant Classification Sherloc (09022015). Collection method: clinical testing. Allele origin: germline.
Comment: This sequence change affects the initiator methionine of the HPS6 mRNA. The next in-frame methionine is located at codon 227. The frequency data for this variant in the population databases is considered unreliable, as metrics indicate poor data quality at this position in the gnomAD database. Disruption of the initiator codon has been observed in individual(s) with clinical features of Hermansky-Pudlak syndrome (PMID: 32581362). ClinVar contains an entry for this variant (Variation ID: 812730). This variant disrupts a region of the HPS6 protein in which other variant(s) (p.Val128Ala) have been observed in individuals with HPS6-related conditions (PMID: 30369044). This suggests that this is a clinically significant region of the protein, and that variants that disrupt it are likely to be disease-causing. In summary, the available evidence is currently insufficient to determine the role of this variant in disease. Therefore, it has been classified as a Variant of Uncertain Significance.

NIHR Bioresource Rare Diseases, University of Cambridge
Classification: Likely pathogenic for Hermansky-Pudlak syndrome 6. Review status: no assertion criteria provided. Collection method: research. Allele origin: unknown. Affected: yes. Observed: 1 variant allele. Not counted in ClinVar's aggregate classification.

Literature cited by the submitters: PubMed 32581362 (cited by Labcorp Genetics (formerly Invitae), Labcorp and NIHR Bioresource Rare Diseases, University of Cambridge); PubMed 30369044 (cited by Labcorp Genetics (formerly Invitae), Labcorp).

NM_024747.6(HPS6):c.1A>G (p.Met1Val)

Genes: HPS6 (HPS6 biogenesis of lysosomal organelles complex 2 subunit 3; plus strand), LOC130004578 (ATAC-STARR-seq lymphoblastoid silent region 2738; plus strand). Cytogenetic location: 10q24.32.
Variant type: single nucleotide variant.
Coding change: c.1A>G on transcript NM_024747.6 (MANE Select); coding-DNA position 1, A replaced by G.
Protein change: p.Met1Val; changes the start codon (methionine 1).
Molecular consequence: missense variant, initiator codon variant.
Genome position (GRCh38, 1-based): chr10:102,065,475, A>G. VCF-style: chr10-102065475-A-G. GRCh37 (hg19) VCF-style: chr10-103825232-A-G.
Other names: short protein forms M1V.
Identifiers: ClinVar variation 812730 (VCV000812730.6), dbSNP rs763073715, ClinGen allele CA377853245.